The following is an entry in ClinVar:

ClinVar aggregate classification (germline): Conflicting classifications of pathogenicity. Review status: criteria provided, conflicting classifications (1 of 4 stars). 2 submissions from 2 submitters: Uncertain significance (1); Likely benign (1). Last evaluated 2022-10-01.

Allele frequency attached by ClinVar (database versions not stated): gnomAD exomes below 0.00001 and 0.00001.
gnomAD v4.1: 1 of 1,211,067 alleles (0.000083%); highest among the groups gnomAD compares: Non-Finnish European, 0.00011%; no homozygotes.

Submissions (2):

CeGaT Center for Human Genetics Tuebingen
Classification: Likely benign. Last evaluated: 2022-10-01. Review status: criteria provided, single submitter. Criteria: CeGaT Center For Human Genetics Tuebingen Variant Classification Criteria Version 2. Collection method: clinical testing. Allele origin: germline. Affected: yes. Observed: 1 variant allele.
Comment: OPHN1: BP4, BP7

Athena Diagnostics
Classification: Uncertain significance. Last evaluated: 2020-06-18. Review status: criteria provided, single submitter. Criteria: Athena Diagnostics Criteria. Collection method: clinical testing. Allele origin: unknown.

NM_002547.3(OPHN1):c.2316A>G (p.Thr772=)

Gene: OPHN1 (oligophrenin 1; minus strand). Cytogenetic location: Xq12.
Variant type: single nucleotide variant.
Coding change: c.2316A>G on transcript NM_002547.3 (MANE Select); coding-DNA position 2316, A replaced by G.
Protein change: p.Thr772=; no amino-acid change (threonine 772 retained).
Molecular consequence: synonymous variant.
Genome position (GRCh38, 1-based): chrX:68,053,653, T>C on the plus strand (A>G on the coding strand, the complement: OPHN1 is on the minus strand). VCF-style: chrX-68053653-T-C. GRCh37 (hg19) VCF-style: chrX-67273495-T-C.
Identifiers: ClinVar variation 995148 (VCV000995148.25), dbSNP rs1403350105, ClinGen allele CA516973987.